The following is an entry in ClinVar:

NM_001378418.1(TCF20):c.4666C>G (p.Pro1556Ala)

Gene: TCF20 (transcription factor 20; minus strand). Cytogenetic location: 22q13.2.
Variant type: single nucleotide variant.
Coding change: c.4666C>G on transcript NM_001378418.1 (MANE Select); coding-DNA position 4666, C replaced by G.
Protein change: p.Pro1556Ala; replaces proline 1556 with alanine.
Molecular consequence: missense variant.
Genome position (GRCh38, 1-based): chr22:42,210,640, G>C on the plus strand (C>G on the coding strand, the complement: TCF20 is on the minus strand). VCF-style: chr22-42210640-G-C. GRCh37 (hg19) VCF-style: chr22-42606646-G-C.
Other names: c.4666C>G, p.Pro1556Ala (NM_005650.4, NM_181492.3); short protein forms P1556A.
Identifiers: ClinVar variation 2762812 (VCV002762812.3), dbSNP rs2518205365, ClinGen allele CA411783767.
Genomic context (GRCh38, chr22:42,210,640, plus strand): 5'-TTGGCTCTCCATCTGCAGAACCTTCTGGTATCTGTGGGGGCTGAGGGGGTGGAGGCGGTG[G>C]CTGCTGCTGTTTCTTTTGCTTATTCACACTACCAATGGGTCTCCCCTTCTTCTTTCCTGA-3'
Protein context (NP_001365347.1, residues 1546-1566): SVNKQKKQQQ[Pro1556Ala]PPPPPQPPQI

ClinVar aggregate classification (germline): Uncertain significance (1 of 4 stars; one submission).

Submission:

Labcorp Genetics (formerly Invitae), Labcorp
Classification: Uncertain significance. Last evaluated: 2024-09-05. Review status: criteria provided, single submitter. Criteria: Invitae Variant Classification Sherloc (09022015). Collection method: clinical testing. Allele origin: germline.
Comment: This sequence change replaces proline, which is neutral and non-polar, with alanine, which is neutral and non-polar, at codon 1556 of the TCF20 protein (p.Pro1556Ala). This variant is not present in population databases (gnomAD no frequency). This variant has not been reported in the literature in individuals affected with TCF20-related conditions. An algorithm developed to predict the effect of missense changes on protein structure and function (PolyPhen-2) suggests that this variant is likely to be tolerated. In summary, the available evidence is currently insufficient to determine the role of this variant in disease. Therefore, it has been classified as a Variant of Uncertain Significance.